The following is an entry in ClinVar:

NM_004667.6(HERC2):c.12360C>T (p.Tyr4120=)

Gene: HERC2 (HECT and RLD domain containing E3 ubiquitin protein ligase 2; minus strand). Cytogenetic location: 15q13.1.
Variant type: single nucleotide variant.
Coding change: c.12360C>T on transcript NM_004667.6 (MANE Select); coding-DNA position 12360, C replaced by T.
Protein change: p.Tyr4120=; no amino-acid change (tyrosine 4120 retained).
Molecular consequence: synonymous variant.
Genome position (GRCh38, 1-based): chr15:28,132,701, G>A on the plus strand (C>T on the coding strand, the complement: HERC2 is on the minus strand). VCF-style: chr15-28132701-G-A. GRCh37 (hg19) VCF-style: chr15-28377847-G-A.
Other names: c.12360C>T (NM_004667.5).
Identifiers: ClinVar variation 3239045 (VCV003239045.21), dbSNP rs556204835.

ClinVar aggregate classification (germline): Likely benign. Review status: criteria provided, multiple submitters, no conflicts (2 of 4 stars). 3 submissions from 3 submitters: Likely benign (3). Last evaluated 2026-08-19.

Conditions:
HERC2-related disorder. Also called: HERC2-related condition.

Allele frequency attached by ClinVar (database versions not stated): TOPMed 0.00002; gnomAD 0.00013; gnomAD exomes 0.00024; ExAC 0.00061; 1000 Genomes Project 0.00120; 1000 Genomes Project 30x 0.00141.
gnomAD v4.1: 370 of 1,593,814 alleles (0.023%); highest among the groups gnomAD compares: South Asian, 0.37%; 8 homozygotes.

Submissions (3):

PreventionGenetics, part of Exact Sciences
Classification: Likely benign for HERC2-related condition. Last evaluated: 2026-08-19. Review status: criteria provided, single submitter. Criteria: ACMG Guidelines, 2015. Collection method: clinical testing. Allele origin: germline.
Comment: This variant is classified as likely benign based on ACMG/AMP sequence variant interpretation guidelines (Richards et al. 2015 PMID: 25741868, with internal and published modifications).

CeGaT Center for Human Genetics Tuebingen
Classification: Likely benign. Last evaluated: 2026-02-01. Review status: criteria provided, single submitter. Criteria: CeGaT Center For Human Genetics Tuebingen Variant Classification Criteria Version 2. Collection method: clinical testing. Allele origin: germline. Affected: yes. Observed: 3 variant alleles.
Comment: HERC2: BP4, BP7

Blueprint Genetics
Classification: Likely benign. Last evaluated: 2024-10-04. Review status: criteria provided, single submitter. Criteria: ACMG Guidelines, 2015. Collection method: clinical testing. Allele origin: germline.